The following is an entry in ClinVar:

NM_001267550.2(TTN):c.39473T>C (p.Val13158Ala)

Gene: TTN (titin; minus strand). Cytogenetic location: 2q31.2.
Variant type: single nucleotide variant.
Coding change: c.39473T>C on transcript NM_001267550.2 (MANE Select); coding-DNA position 39473, T replaced by C.
Protein change: p.Val13158Ala; replaces valine 13158 with alanine.
Molecular consequence: missense variant. On other transcripts: intron variant (3).
Genome position (GRCh38, 1-based): chr2:178,651,527, A>G on the plus strand (T>C on the coding strand, the complement: TTN is on the minus strand). VCF-style: chr2-178651527-A-G. GRCh37 (hg19) VCF-style: chr2-179516254-A-G.
Other names: c.34952T>C, p.Val11651Ala (NM_001256850.1); c.32171T>C, p.Val10724Ala (NM_133378.4); c.13283-9210T>C (NM_003319.4); c.13859-9210T>C (NM_133437.4); c.13658-9210T>C (NM_133432.3); short protein forms V10724A, V13158A, V11651A.
Identifiers: ClinVar variation 501670 (VCV000501670.5), dbSNP rs1553769611, ClinGen allele CA349456024.

ClinVar aggregate classification (germline): Conflicting classifications of pathogenicity. Review status: criteria provided, conflicting classifications (1 of 4 stars). 2 submissions from 2 submitters: Uncertain significance (1); Likely benign (1). Last evaluated 2017-05-11.

Allele frequency attached by ClinVar (database versions not stated): gnomAD 0.00001.
gnomAD v4.1: 1 of 1,612,462 alleles (0.000062%); highest among the groups gnomAD compares: African/African-American, 0.0013%; no homozygotes.

Submissions (2):

Eurofins Ntd Llc (ga)
Classification: Uncertain significance. Last evaluated: 2017-05-11. Review status: criteria provided, single submitter. Criteria: EGL Classification Definitions 2015. Collection method: clinical testing. Allele origin: germline. Observed: 1 variant allele, 1 heterozygote.

GeneDx
Classification: Likely benign. Last evaluated: 2017-04-19. Review status: criteria provided, single submitter. Criteria: GeneDx Variant Classification (06012015). Collection method: clinical testing. Allele origin: germline. Affected: yes.
Comment: This variant is considered likely benign or benign based on one or more of the following criteria: it is a conservative change, it occurs at a poorly conserved position in the protein, it is predicted to be benign by multiple in silico algorithms, and/or has population frequency not consistent with disease.